The following is an entry in ClinVar:

ClinVar aggregate classification (germline): Uncertain significance. Review status: criteria provided, multiple submitters, no conflicts (2 of 4 stars). 3 submissions from 3 submitters: Uncertain significance (3). Last evaluated 2025-10-07.

Conditions:
Spastic paraplegia. Identifiers: MedGen C0037772, HP:0001258.
ARSI-related disorder. Also called: ARSI-related condition.

Allele frequency attached by ClinVar (database versions not stated): TOPMed 0.00002; gnomAD 0.00003.
gnomAD v4.1: 12 of 1,614,088 alleles (0.00074%); highest among the groups gnomAD compares: Admixed American, 0.0083%; no homozygotes.

Submissions (3):

PreventionGenetics, part of Exact Sciences
Classification: Uncertain significance for ARSI-related condition. Last evaluated: 2025-10-07. Review status: criteria provided, single submitter. Criteria: ACMG Guidelines, 2015. Collection method: clinical testing. Allele origin: germline.
Comment: The ARSI c.461G>A variant is predicted to result in the amino acid substitution p.Arg154Gln. To our knowledge, this variant has not been reported in the literature. This variant is reported in 0.0097% of alleles in individuals of Ashkenazi Jewish descent in gnomAD. At this time, the clinical significance of this variant is uncertain due to the absence of conclusive functional and genetic evidence.

Ambry Genetics
Classification: Uncertain significance. Last evaluated: 2023-05-23. Review status: criteria provided, single submitter. Criteria: Ambry Variant Classification Scheme 2023. Collection method: clinical testing. Allele origin: germline.

Labcorp Genetics (formerly Invitae), Labcorp
Classification: Uncertain significance for Spastic paraplegia. Last evaluated: 2021-08-02. Review status: criteria provided, single submitter. Criteria: Invitae Variant Classification Sherloc (09022015). Collection method: clinical testing. Allele origin: germline.
Comment: In summary, the available evidence is currently insufficient to determine the role of this variant in disease. Therefore, it has been classified as a Variant of Uncertain Significance. Algorithms developed to predict the effect of sequence changes on RNA splicing suggest that this variant may create or strengthen a splice site. Algorithms developed to predict the effect of missense changes on protein structure and function (SIFT, PolyPhen-2, Align-GVGD) all suggest that this variant is likely to be tolerated. This variant has not been reported in the literature in individuals affected with ARSI-related conditions. This variant is not present in population databases (ExAC no frequency). This sequence change replaces arginine with glutamine at codon 154 of the ARSI protein (p.Arg154Gln). The arginine residue is moderately conserved and there is a small physicochemical difference between arginine and glutamine.

NM_001012301.4(ARSI):c.461G>A (p.Arg154Gln)

Gene: ARSI (arylsulfatase family member I; minus strand). Cytogenetic location: 5q32.
Variant type: single nucleotide variant.
Coding change: c.461G>A on transcript NM_001012301.4 (MANE Select); coding-DNA position 461, G replaced by A.
Protein change: p.Arg154Gln; replaces arginine 154 with glutamine.
Molecular consequence: missense variant.
Genome position (GRCh38, 1-based): chr5:150,298,463, C>T on the plus strand (G>A on the coding strand, the complement: ARSI is on the minus strand). VCF-style: chr5-150298463-C-T. GRCh37 (hg19) VCF-style: chr5-149678026-C-T.
Other names: c.461G>A (NM_001012301.2, NM_001012301.3); short protein forms R154Q.
Identifiers: ClinVar variation 1409265 (VCV001409265.8), dbSNP rs746503472, ClinGen allele CA361734491.
Genomic context (GRCh38, chr5:150,298,463, plus strand): 5'-TTGCCCGTGAGCGAGCCCAGGAAGGTGTCGAAGCCCCGACGGGTGGGCAGACACTCCTTC[C>T]GGTAGAAGCCCAGGTGCCACTTGCCCACCATATGGGTGGAATAACCTGCCTCCTGCAGCT-3'
Protein context (NP_001012301.1, residues 144-164): MVGKWHLGFY[Arg154Gln]KECLPTRRGF